The following is an entry in ClinVar:

ClinVar aggregate classification (germline): Uncertain significance. Review status: criteria provided, multiple submitters, no conflicts (2 of 4 stars). 3 submissions from 3 submitters: Uncertain significance (3). Last evaluated 2024-11-25.

Conditions:
Acrocallosal syndrome (ACLS). Also called: Schinzel syndrome 1; Absence of corpus callosum with unusual facial appearance, mental deficiency, duplication of the halluces and polydactyly; HALLUX DUPLICATION, POSTAXIAL POLYDACTYLY, AND ABSENCE OF CORPUS CALLOSUM. Identifiers: Orphanet 36, MedGen C0796147, MONDO:0008708, OMIM 200990.
Multiple epiphyseal dysplasia, Al-Gazali type. Also called: Macrocephaly with multiple epiphyseal dysplasia and distinctive facies. Identifiers: Orphanet 166024, MedGen C1846722, MONDO:0011778, OMIM 607131.
Hydrolethalus syndrome 2 (HLS2). Identifiers: Orphanet 2189, MedGen C3279899, MONDO:0013585, OMIM 614120.

gnomAD v4.1: 83 of 1,611,524 alleles (0.0052%); highest among the groups gnomAD compares: South Asian, 0.024%; no homozygotes.

Submissions (3):

Labcorp Genetics (formerly Invitae), Labcorp
Classification: Uncertain significance for Acrocallosal syndrome. Last evaluated: 2024-11-25. Review status: criteria provided, single submitter. Criteria: Invitae Variant Classification Sherloc (09022015). Collection method: clinical testing. Allele origin: germline.
Comment: This sequence change replaces arginine, which is basic and polar, with tryptophan, which is neutral and slightly polar, at codon 832 of the KIF7 protein (p.Arg832Trp). This variant is present in population databases (rs745638889, gnomAD 0.02%). This variant has not been reported in the literature in individuals affected with KIF7-related conditions. ClinVar contains an entry for this variant (Variation ID: 1385322). Invitae Evidence Modeling of protein sequence and biophysical properties (such as structural, functional, and spatial information, amino acid conservation, physicochemical variation, residue mobility, and thermodynamic stability) indicates that this missense variant is not expected to disrupt KIF7 protein function with a negative predictive value of 80%. In summary, the available evidence is currently insufficient to determine the role of this variant in disease. Therefore, it has been classified as a Variant of Uncertain Significance.

Blueprint Genetics
Classification: Uncertain significance. Last evaluated: 2024-10-24. Review status: criteria provided, single submitter. Criteria: ACMG Guidelines, 2015. Collection method: clinical testing. Allele origin: germline.

Fulgent Genetics
Classification: Uncertain significance for Acrocallosal syndrome; Multiple epiphyseal dysplasia, Al-Gazali type; Hydrolethalus syndrome 2. Last evaluated: 2024-05-10. Review status: criteria provided, single submitter. Criteria: ACMG Guidelines, 2015. Collection method: clinical testing. Allele origin: germline.

NM_198525.3(KIF7):c.2494C>T (p.Arg832Trp)

Gene: KIF7 (kinesin family member 7; minus strand). Cytogenetic location: 15q26.1.
Variant type: single nucleotide variant.
Coding change: c.2494C>T on transcript NM_198525.3 (MANE Select); coding-DNA position 2494, C replaced by T.
Protein change: p.Arg832Trp; replaces arginine 832 with tryptophan.
Molecular consequence: missense variant.
Genome position (GRCh38, 1-based): chr15:89,633,784, G>A on the plus strand (C>T on the coding strand, the complement: KIF7 is on the minus strand). VCF-style: chr15-89633784-G-A. GRCh37 (hg19) VCF-style: chr15-90177015-G-A.
Other names: short protein forms R832W.
Identifiers: ClinVar variation 1385322 (VCV001385322.8), dbSNP rs745638889, ClinGen allele CA7728128.